The following is an entry in ClinVar:

ClinVar aggregate classification (germline): Uncertain significance (1 of 4 stars; one submission).

Conditions:
Congenital adrenal hypoplasia, X-linked (AHC). Also called: Isolated X-Linked Adrenal Hypoplasia Congenita; X-linked AHC; X-Linked Adrenal Hypoplasia Congenita; ADRENAL HYPOPLASIA, CONGENITAL, WITH HYPOGONADOTROPIC HYPOGONADISM. Identifiers: Orphanet 95702, MedGen C0342482, MONDO:0010264, OMIM 300200. Disease mechanism: loss of function.
46,XY sex reversal 2. Also called: NR0B1-Related 46,XY CGD; NR0B1-related 46,XY complete gonadal dysgenesis; Dosage-sensitive sex reversal; 46,XY SEX REVERSAL, DAX1-RELATED; 46XY sex reversal 2, dosage-sensitive. Identifiers: MedGen C1848296, MONDO:0010226, OMIM 300018.

gnomAD v4.1: 1 of 1,198,541 alleles (0.000083%); highest among the groups gnomAD compares: Non-Finnish European, 0.00011%; no homozygotes.

Submission:

Labcorp Genetics (formerly Invitae), Labcorp
Classification: Uncertain significance for Congenital adrenal hypoplasia, X-linked; 46,XY sex reversal 2. Last evaluated: 2025-04-09. Review status: criteria provided, single submitter. Criteria: Invitae Variant Classification Sherloc (09022015). Collection method: clinical testing. Allele origin: germline.
Comment: This sequence change replaces valine, which is neutral and non-polar, with leucine, which is neutral and non-polar, at codon 60 of the NR0B1 protein (p.Val60Leu). This variant is not present in population databases (gnomAD no frequency). This variant has not been reported in the literature in individuals affected with NR0B1-related conditions. Invitae Evidence Modeling of protein sequence and biophysical properties (such as structural, functional, and spatial information, amino acid conservation, physicochemical variation, residue mobility, and thermodynamic stability) indicates that this missense variant is not expected to disrupt NR0B1 protein function with a negative predictive value of 80%. In summary, the available evidence is currently insufficient to determine the role of this variant in disease. Therefore, it has been classified as a Variant of Uncertain Significance.

NM_000475.5(NR0B1):c.178G>T (p.Val60Leu)

Gene: NR0B1 (nuclear receptor subfamily 0 group B member 1; minus strand). Cytogenetic location: Xp21.2.
Variant type: single nucleotide variant.
Coding change: c.178G>T on transcript NM_000475.5 (MANE Select); coding-DNA position 178, G replaced by T.
Protein change: p.Val60Leu; replaces valine 60 with leucine.
Molecular consequence: missense variant.
Genome position (GRCh38, 1-based): chrX:30,309,186, C>A on the plus strand (G>T on the coding strand, the complement: NR0B1 is on the minus strand). VCF-style: chrX-30309186-C-A. GRCh37 (hg19) VCF-style: chrX-30327303-C-A.
Other names: short protein forms V60L.
Identifiers: ClinVar variation 4793175 (VCV004793175.1).